The following is an entry in ClinVar:

ClinVar aggregate classification (germline): Pathogenic (1 of 4 stars; one submission).

Conditions:
Autosomal recessive limb-girdle muscular dystrophy type 2C (LGMDR5). Also called: MUSCULAR DYSTROPHY, DUCHENNE-LIKE; MUSCULAR DYSTROPHY, LIMB-GIRDLE, AUTOSOMAL RECESSIVE 5. Identifiers: Orphanet 353, MedGen C0410173, MONDO:0009677, OMIM 253700. Disease mechanism: Affects gamma-sarcoglycan and also disrupts the integrity of the entire sarcoglycan complex..

Submission:

Myriad Genetics, Inc.
Classification: Pathogenic for Autosomal recessive limb-girdle muscular dystrophy type 2C. Last evaluated: 2025-11-24. Review status: criteria provided, single submitter. Criteria: Myriad Autosomal Dominant, Autosomal Recessive and X-Linked Classification Criteria (2023). Collection method: clinical testing. Allele origin: unknown.
Comment: NM_000231.2(SGCG):c.49_50delAG(R17Afs*42) is a frameshift variant classified as pathogenic in the context of gamma-sarcoglycanopathy. R17Afs*42 has not been observed in cases with relevant disease. Relevant functional assessments of this variant are not available in the literature. R17Afs*42 has not been observed in referenced population frequency databases. . Please note: this variant was assessed in the context of healthy population screening.

NM_000231.3(SGCG):c.49_50del (p.Arg17fs)

Gene: SGCG (sarcoglycan gamma; plus strand). Cytogenetic location: 13q12.12.
Variant type: Microsatellite.
Coding change: c.49_50del on transcript NM_000231.3 (MANE Select); coding-DNA positions 49 to 50, 2 bases deleted (AG; older notation c.49_50delAG).
Protein change: p.Arg17fs; shifts the reading frame from arginine 17.
Molecular consequence: frameshift variant.
Genome position (GRCh38, 1-based): chr13:23,203,743-23,203,744, AG deleted; deleting any 2 consecutive bases within chr13:23,203,739-23,203,744 gives the same sequence; the c. name uses the placement nearest the transcript's 3' end. VCF-style (leftmost placement, unchanged base first): chr13-23203738-TAG-T. GRCh37 (hg19) VCF-style: chr13-23777877-TAG-T.
Other names: c.103_104del, p.Arg35fs (NM_001378244.1); c.49_50del, p.Arg17fs (NM_001378245.1, NM_001378246.1); short protein forms R35fs, R17fs.
Identifiers: ClinVar variation 5004297 (VCV005004297.1).